The following is an entry in ClinVar:

NM_000059.4(BRCA2):c.26del (p.Pro9fs)

Gene: BRCA2 (BRCA2 DNA repair associated; plus strand). Cytogenetic location: 13q13.1.
Variant type: Deletion.
Coding change: c.26del on transcript NM_000059.4 (MANE Select); coding-DNA position 26, one base deleted (C; older notation c.26delC).
Protein change: p.Pro9fs; shifts the reading frame from proline 9.
Molecular consequence: frameshift variant.
Genome position (GRCh38, 1-based): chr13:32,316,486, C deleted; the last of 2 consecutive C bases (chr13:32,316,485-32,316,486); deleting either gives the same sequence. VCF-style (leftmost placement, unchanged base first): chr13-32316484-GC-G. GRCh37 (hg19) VCF-style: chr13-32890621-GC-G.
Other names: 254delC; c.26delC (NM_000059.3); short protein forms P9fs.
Identifiers: ClinVar variation 51330 (VCV000051330.40), dbSNP rs80359343, ClinGen allele CA016104.
Genomic context (GRCh38, chr13:32,316,484, plus strand): 5'-TTATTTACCAAGCATTGGAGGAATATCGTAGGTAAAAATGCCTATTGGATCCAAAGAGAG[GC>G]CAACATTTTTTGAAATTTTTAAGACACGCTGCAACAAAGCAGGTATTGACAAATTTTATA-3'

ClinVar aggregate classification (germline): Pathogenic. Review status: reviewed by expert panel (3 of 4 stars). 22 submissions from 22 submitters: Pathogenic (1). 21 of the submissions do not count toward it. Last evaluated 2016-04-22.

Conditions:
BRCA2-related disorder. Also called: BRCA2-related condition; BRCA2-related disorders. Identifiers: MedGen CN239275.
Inherited breast cancer and ovarian cancer.
Hereditary cancer-predisposing syndrome. Also called: Hereditary neoplastic syndrome; Tumor predisposition; Hereditary Cancer Syndrome; Neoplastic Syndromes, Hereditary. Identifiers: Orphanet 140162, MedGen C0027672, MeSH D009386, MONDO:0015356.
Breast and/or ovarian cancer. Identifiers: MedGen CN221562.
Hereditary breast ovarian cancer syndrome. Also called: Hereditary breast and/or ovarian cancer syndrome; Breast and ovarian cancer; Hereditary breast and ovarian cancer; Hereditary breast and ovarian cancer syndrome (HBOC); Hereditary breast and ovarian cancer syndrome; BRCA1- and BRCA2-Associated Hereditary Breast and Ovarian Cancer. Identifiers: Orphanet 145, MedGen C0677776, MeSH D061325, MONDO:0003582. Disease mechanism: loss of function.
Breast-ovarian cancer, familial, susceptibility to, 2 (BROVCA2). Also called: BRCA2 Hereditary Breast and Ovarian Cancer. Identifiers: Orphanet 145, MedGen C2675520, MONDO:0012933, OMIM 612555. Disease mechanism: loss of function.
Malignant tumor of breast. Also called: Malignant breast neoplasm; Cancer breast. Identifiers: MedGen C0006142, MONDO:0007254. Disease mechanism: loss of function.

Submissions 1 to 8 of 22:

Evidence-based Network for the Interpretation of Germline Mutant Alleles (ENIGMA)
Classification: Pathogenic for Breast-ovarian cancer, familial, susceptibility to, 2. Last evaluated: 2016-04-22. Review status: reviewed by expert panel. Criteria: ENIGMA BRCA1/2 Classification Criteria (2015). Collection method: curation. Allele origin: germline.
Comment: Variant allele predicted to encode a truncated non-functional protein.

Genetics Laboratory, Great Ormond Street Hospital NHS Foundation Trust, North Thames Genomic Laboratory Hub
Classification: Pathogenic for Inherited breast cancer and ovarian cancer. Last evaluated: 2026-04-24. Review status: criteria provided, single submitter. Criteria: CanVIG BRCA Gene Specific V1.22. Collection method: clinical testing. Allele origin: germline. Affected: yes. Not counted in ClinVar's aggregate classification.
Comment: PS4_very-strong, PM2_supporting, PVS1_very-strong, PM5_strong

Cambridge Genomics Laboratory, East Genomic Laboratory Hub, NHS Genomic Medicine Service
Classification: Pathogenic for Inherited breast cancer and ovarian cancer. Last evaluated: 2026-01-29. Review status: criteria provided, single submitter. Criteria: ACGS Best Practice Guidelines for Variant Classification in Rare Disease 2020. Collection method: clinical testing. Allele origin: germline. Affected: yes. Not counted in ClinVar's aggregate classification.
Comment: PVS1,PM2_Supporting,PM5_Strong

Labcorp Genetics (formerly Invitae), Labcorp
Classification: Pathogenic for Hereditary breast ovarian cancer syndrome. Last evaluated: 2025-12-31. Review status: criteria provided, single submitter. Criteria: Invitae Variant Classification Sherloc (09022015). Collection method: clinical testing. Allele origin: germline. Not counted in ClinVar's aggregate classification.
Comment: This sequence change creates a premature translational stop signal (p.Pro9Glnfs*16) in the BRCA2 gene. It is expected to result in an absent or disrupted protein product. Loss-of-function variants in BRCA2 are known to be pathogenic (PMID: 20104584). This variant is not present in population databases (gnomAD no frequency). This premature translational stop signal has been observed in individual(s) with hereditary breast and ovarian cancer (PMID: 8988179, 11044354, 17636422, 22711857, 23028338). It has also been observed to segregate with disease in related individuals. This variant is also known as 253delC. ClinVar contains an entry for this variant (Variation ID: 51330). For these reasons, this variant has been classified as Pathogenic.

ARUP Laboratories, Molecular Genetics and Genomics, ARUP Laboratories
Classification: Pathogenic. Last evaluated: 2025-05-15. Review status: criteria provided, single submitter. Criteria: ARUP Molecular Germline Variant Investigation Process 2024. Collection method: clinical testing. Allele origin: germline. Not counted in ClinVar's aggregate classification.
Comment: The BRCA2 c.26del; p.Pro9GlnfsTer16 variant (rs80359343, ClinVar Variation ID: 51330) is reported in the literature in several individuals affected with breast and/or ovarian cancer (Alsop 2012, Anglian Breast Cancer Study Group 2000, Gayther 1997, Thompson 2012, Weitzel 2003) and has been reported in an individual with metastatic prostate cancer (Pritchard 2016). This variant is absent from the Genome Aggregation Database (v2.1.1), indicating it is not a common polymorphism. This variant causes a frameshift by deleting a single nucleotide, so it is predicted to result in a truncated protein or mRNA subject to nonsense-mediated decay. Based on available information, this variant is considered to be pathogenic. References: Alsop K et al. BRCA mutation frequency and patterns of treatment response in BRCA mutation-positive women with ovarian cancer: a report from the Australian Ovarian Cancer Study Group. J Clin Oncol. 2012 Jul 20;30(21):2654-63. PMID: 22711857. Anglian Breast Cancer Study Group. Prevalence and penetrance of BRCA1 and BRCA2 mutations in a population-based series of breast cancer cases. Anglian Breast Cancer Study Group. Br J Cancer. 2000 Nov;83(10):1301-8. PMID: 11044354. Gayther SA et al. Variation of risks of breast and ovarian cancer associated with different germline mutations of the BRCA2 gene. Nat Genet. 1997 Jan;15(1):103-5. PMID: 8988179. Pritchard CC et al. Inherited DNA-Repair Gene Mutations in Men with Metastatic Prostate Cancer. N Engl J Med. 2016 Aug 4;375(5):443-53. PMID: 27433846. Thompson ER et al. Exome sequencing identifies rare deleterious mutations in DNA repair genes FANCC and BLM as potential breast cancer susceptibility alleles. PLoS Genet. 2012 Sep;8(9):e1002894. PMID: 23028338. Weitzel JN et al. Effect of genetic cancer risk assessment on surgical decisions at breast cancer diagnosis. Arch Surg. 2003 Dec;138(12):1323-8; discussion 1329. PMID: 14662532.

Genomics and Molecular Medicine Service, East Genomic Laboratory Hub, NHS Genomic Medicine Service
Classification: Pathogenic for Inherited breast cancer and ovarian cancer. Last evaluated: 2024-09-25. Review status: criteria provided, single submitter. Criteria: ACGS Best Practice Guidelines for Variant Classification in Rare Disease 2020. Collection method: clinical testing. Allele origin: germline. Affected: yes. Not counted in ClinVar's aggregate classification.
Comment: PVS1,PM5_Strong

Quest Diagnostics Nichols Institute San Juan Capistrano
Classification: Pathogenic. Last evaluated: 2024-02-21. Review status: criteria provided, single submitter. Criteria: Quest Diagnostics criteria. Collection method: clinical testing. Allele origin: unknown. Not counted in ClinVar's aggregate classification.
Comment: The BRCA2 c.26del (p.Pro9Glnfs*16) variant alters the translational reading frame of the BRCA2 mRNA and causes the premature termination of BRCA2 protein synthesis. This variant has been reported in the published literature in individuals and families with breast and/or ovarian cancer (PMIDs: 33758026 (2022), 34657373 (2022), 33471991 (2021), 31263054 (2019), 29446198 (2018), 28888541 (2017), 27376475 (2016), 23028338 (2012), 22711857 (2012), 11044354 (2000), 8988179 (1997), 3413277 (1988)), including male breast cancer (PMIDs: 17636422 (2008), 11879560 (2002)). Additionally, this variant was seen in individuals with prostate cancer (PMID: 27433846 (2016)) and pancreatic cancer (PMIDs: 32073954 (2020), 29922827 (2018)). This variant has not been reported in large, multi-ethnic general populations (Genome Aggregation Database). Based on the available information, this variant is classified as pathogenic.

GeneDx
Classification: Pathogenic. Last evaluated: 2023-06-01. Review status: criteria provided, single submitter. Criteria: GeneDx Variant Classification Process June 2021. Collection method: clinical testing. Allele origin: germline. Affected: yes. Not counted in ClinVar's aggregate classification.
Comment: Observed in individuals with a personal or family history consistent with pathogenic variants in this gene (Gayther et al., 1997; Basham et al., 2002; Evans et al., 2008; Tutt et al., 2010; Alsop et al., 2012; Thompson et al., 2012; Frugtniet et al., 2022); Frameshift variant predicted to result in protein truncation or nonsense mediated decay in a gene for which loss of function is a known mechanism of disease; Truncating variants in this gene are considered pathogenic by a well-established clinical consortium and/or database; Not observed at significant frequency in large population cohorts (gnomAD); Also known as 252delC, 253delC, and 254delC; This variant is associated with the following publications: (PMID: 22711857, 21702907, 14662532, 15131399, 31263054, 8988179, 12036913, 27376475, 23028338, 11879560, 20609467, 17636422, 11044354, 18158280, 27433846, 30787465, 28888541, 32778766, 29922827, 33758026, 34657373)